The following is an entry in ClinVar:

ClinVar aggregate classification (germline): Likely pathogenic (1 of 4 stars; one submission).

Conditions:
Developmental delay with dysmorphic facies and dental anomalies. Identifiers: MedGen C5543197, MONDO:0030988, OMIM 619228.

Submission:

Molecular Genetics Department, Kulakov National Medical Research Center for Obstetrics, Gynecology and Perinatology
Classification: Likely pathogenic for Developmental delay with dysmorphic facies and dental anomalies. Review status: criteria provided, single submitter. Criteria: ACMG Guidelines, 2015. Collection method: clinical testing. Allele origin: germline. Affected: yes. Observed: 1 variant allele.
Comment: A previously undescribed heterozygous nucleotide variant creates a premature translation stop signal p.Gln420Ter in the SATB1 gene. Heterozygous variants leading to loss of full-length protein are reported in patients with developmental delay with dysmorphic facies and dental anomalies, 619228. The variant is not present in population database (gnomAD no frequency). In summary, the currently available evidence indicates that the variant is pathogenic, but additional data are needed to prove that conclusively. Therefore, this variant has been classified as likely pathogenic.

NM_002971.6(SATB1):c.1258C>T (p.Gln420Ter)

Gene: SATB1 (SATB homeobox 1; minus strand). Cytogenetic location: 3p24.3.
Variant type: single nucleotide variant.
Coding change: c.1258C>T on transcript NM_002971.6 (MANE Select); coding-DNA position 1258, C replaced by T.
Protein change: p.Gln420Ter; replaces glutamine 420 with a stop codon.
Molecular consequence: nonsense.
Genome position (GRCh38, 1-based): chr3:18,386,560, G>A on the plus strand (C>T on the coding strand, the complement: SATB1 is on the minus strand). VCF-style: chr3-18386560-G-A. GRCh37 (hg19) VCF-style: chr3-18428052-G-A.
Other names: c.1258C>T, p.Gln420Ter (NM_001131010.4, NM_001195470.3, NM_001322871.2 and 4 more transcripts); c.1042C>T, p.Gln348Ter (NM_001322876.2); short protein forms Q348*, Q420*.
Identifiers: ClinVar variation 4294509 (VCV004294509.1).
Genomic context (GRCh38, chr3:18,386,560, plus strand): 5'-TTTCAGCTTCCGGTAACTGCAAGAAATTCTGCATAGCCCGAAGGTTTACCAGCAAAGACT[G>A]GGATGCAGTCTTGGGGTCCTCTTCCTTTCGGAGGATTTCTGAAAGCAAGCCCTGCAAGAA-3'